The following is an entry in ClinVar:

NM_152594.3(SPRED1):c.1100G>C (p.Ser367Thr)

Gene: SPRED1 (sprouty related EVH1 domain containing 1; plus strand). Cytogenetic location: 15q14.
Variant type: single nucleotide variant.
Coding change: c.1100G>C on transcript NM_152594.3 (MANE Select); coding-DNA position 1100, G replaced by C.
Protein change: p.Ser367Thr; replaces serine 367 with threonine.
Molecular consequence: missense variant.
Genome position (GRCh38, 1-based): chr15:38,351,429, G>C. VCF-style: chr15-38351429-G-C. GRCh37 (hg19) VCF-style: chr15-38643630-G-C.
Other names: short protein forms S367T.
Identifiers: ClinVar variation 3961379 (VCV003961379.1).

ClinVar aggregate classification (germline): Uncertain significance (1 of 4 stars; one submission).

Conditions:
Cardiovascular phenotype. Identifiers: MedGen CN230736.

Submission:

Ambry Genetics
Classification: Uncertain significance for Cardiovascular phenotype. Last evaluated: 2025-04-19. Review status: criteria provided, single submitter. Criteria: Ambry Variant Classification Scheme 2023. Collection method: clinical testing. Allele origin: germline.
Comment: The p.S367T variant (also known as c.1100G>C), located in coding exon 7 of the SPRED1 gene, results from a G to C substitution at nucleotide position 1100. The serine at codon 367 is replaced by threonine, an amino acid with similar properties. This amino acid position is conserved. In addition, the in silico prediction for this alteration is inconclusive. Based on the available evidence, the clinical significance of this variant remains unclear.